The following is an entry in ClinVar:

ClinVar aggregate classification (germline): Uncertain significance (1 of 4 stars; one submission).

Conditions:
Deficiency of iodide peroxidase (TDH2A). Also called: HYPOTHYROIDISM, CONGENITAL, DUE TO DYSHORMONOGENESIS, 2A; IODIDE PEROXIDASE DEFICIENCY; THYROID HORMONOGENESIS, GENETIC DEFECT IN, 2A; THYROID PEROXIDASE DEFICIENCY; Thyroid dyshormonogenesis 2A. Identifiers: Orphanet 95716, MedGen C1291299, MONDO:0010133, OMIM 274500.

Submission:

3billion
Classification: Uncertain significance for Deficiency of iodide peroxidase. Last evaluated: 2023-02-23. Review status: criteria provided, single submitter. Criteria: ACMG Guidelines, 2015. Collection method: clinical testing. Allele origin: unknown. Affected: yes.
Comment: The variant is not observed in the gnomAD v2.1.1 dataset. Missense changes are a common disease-causing mechanism. In silico tool predictions suggest no damaging effect of the variant on gene or gene product (REVEL: 0.31; 3Cnet: 0.09). Same nucleotide change resulting in same amino acid change has been previously reported to be associated with TPO related disorder (PMID: 12938097). However, the evidence of pathogenicity is insufficient at this time. Therefore, this variant is classified as VUS according to the recommendation of ACMG/AMP guideline.

Literature cited by the submitters: PubMed 12938097.

NM_001206744.2(TPO):c.920A>C (p.Asn307Thr)

Gene: TPO (thyroid peroxidase; plus strand). Cytogenetic location: 2p25.3.
Variant type: single nucleotide variant.
Coding change: c.920A>C on transcript NM_001206744.2 (MANE Select); coding-DNA position 920, A replaced by C.
Protein change: p.Asn307Thr; replaces asparagine 307 with threonine.
Molecular consequence: missense variant. On other transcripts: intron variant (1).
Genome position (GRCh38, 1-based): chr2:1,477,186, A>C. VCF-style: chr2-1477186-A-C. GRCh37 (hg19) VCF-style: chr2-1480958-A-C.
Other names: c.920A>C, p.Asn307Thr (NM_000547.6, NM_001206745.2, NM_175719.4 and 1 more transcripts); c.820-7410A>C (NM_175722.3); short protein forms N307T.
Identifiers: ClinVar variation 2444201 (VCV002444201.1), dbSNP rs2546095566, ClinGen allele CA345693862.